The following is an entry in ClinVar:

NM_003690.5(PRKRA):c.785-10G>A

Genes: CHROMR (cholesterol induced regulator of metabolism RNA; plus strand), PRKRA (protein activator of interferon induced protein kinase EIF2AK2; minus strand). Cytogenetic location: 2q31.2.
Variant type: single nucleotide variant.
Coding change: c.785-10G>A on transcript NM_003690.5 (MANE Select); 10 bases into the intron before coding-DNA position 785, G replaced by A.
Molecular consequence: intron variant.
Genome position (GRCh38, 1-based): chr2:178,432,264, C>T on the plus strand (G>A on the coding strand, the complement: PRKRA is on the minus strand). VCF-style: chr2-178432264-C-T. GRCh37 (hg19) VCF-style: chr2-179296991-C-T.
Other names: c.446-10G>A (NM_001316362.2); c.752-10G>A (NM_001139517.1); c.710-10G>A (NM_001139518.1).
Identifiers: ClinVar variation 3058428 (VCV003058428.2), dbSNP rs754981343, ClinGen allele CA1983732.

ClinVar aggregate classification (germline): Likely benign (0 of 4 stars; one submission).

Conditions:
PRKRA-related disorder. Also called: PRKRA-related condition.

Allele frequency attached by ClinVar (database versions not stated): ExAC 0.01166.

Submission:

PreventionGenetics, part of Exact Sciences
Classification: Likely benign for PRKRA-related condition. Last evaluated: 2022-11-18. Review status: no assertion criteria provided. Collection method: clinical testing. Allele origin: germline.
Comment: This variant is classified as likely benign based on ACMG/AMP sequence variant interpretation guidelines (Richards et al. 2015 PMID: 25741868, with internal and published modifications).